The following is an entry in ClinVar:

NM_144499.3(GNAT1):c.1028A>G (p.Asn343Ser)

Gene: GNAT1 (G protein subunit alpha transducin 1; plus strand). Cytogenetic location: 3p21.31.
Variant type: single nucleotide variant.
Coding change: c.1028A>G on transcript NM_144499.3 (MANE Select); coding-DNA position 1028, A replaced by G.
Protein change: p.Asn343Ser; replaces asparagine 343 with serine.
Molecular consequence: missense variant.
Genome position (GRCh38, 1-based): chr3:50,194,930, A>G. VCF-style: chr3-50194930-A-G. GRCh37 (hg19) VCF-style: chr3-50232363-A-G.
Other names: c.1028A>G, p.Asn343Ser (NM_000172.4); short protein forms N343S.
Identifiers: ClinVar variation 1353852 (VCV001353852.9), dbSNP rs747068938, ClinGen allele CA2412795.

ClinVar aggregate classification (germline): Uncertain significance. Review status: criteria provided, multiple submitters, no conflicts (2 of 4 stars). 2 submissions from 2 submitters: Uncertain significance (2). Last evaluated 2025-03-17.

Allele frequency attached by ClinVar (database versions not stated): gnomAD 0.00001; gnomAD exomes 0.00002; ExAC 0.00005.
gnomAD v4.1: 35 of 1,613,288 alleles (0.0022%); highest among the groups gnomAD compares: South Asian, 0.027%; 1 homozygote.

Submissions (2):

Labcorp Genetics (formerly Invitae), Labcorp
Classification: Uncertain significance. Last evaluated: 2025-03-17. Review status: criteria provided, single submitter. Criteria: Invitae Variant Classification Sherloc (09022015). Collection method: clinical testing. Allele origin: germline.
Comment: This sequence change replaces asparagine, which is neutral and polar, with serine, which is neutral and polar, at codon 343 of the GNAT1 protein (p.Asn343Ser). This variant is present in population databases (rs747068938, gnomAD 0.01%). This variant has not been reported in the literature in individuals affected with GNAT1-related conditions. ClinVar contains an entry for this variant (Variation ID: 1353852). Invitae Evidence Modeling of protein sequence and biophysical properties (such as structural, functional, and spatial information, amino acid conservation, physicochemical variation, residue mobility, and thermodynamic stability) indicates that this missense variant is not expected to disrupt GNAT1 protein function with a negative predictive value of 80%. In summary, the available evidence is currently insufficient to determine the role of this variant in disease. Therefore, it has been classified as a Variant of Uncertain Significance.

Blueprint Genetics
Classification: Uncertain significance. Last evaluated: 2024-08-02. Review status: criteria provided, single submitter. Criteria: ACMG Guidelines, 2015. Collection method: clinical testing. Allele origin: germline.